The following is an entry in ClinVar:

NM_001252024.2(TRPM1):c.3808C>T (p.Arg1270Trp)

Gene: TRPM1 (transient receptor potential cation channel subfamily M member 1; minus strand). Cytogenetic location: 15q13.3.
Variant type: single nucleotide variant.
Coding change: c.3808C>T on transcript NM_001252024.2 (MANE Select); coding-DNA position 3808, C replaced by T.
Protein change: p.Arg1270Trp; replaces arginine 1270 with tryptophan.
Molecular consequence: missense variant.
Genome position (GRCh38, 1-based): chr15:31,002,892, G>A on the plus strand (C>T on the coding strand, the complement: TRPM1 is on the minus strand). VCF-style: chr15-31002892-G-A. GRCh37 (hg19) VCF-style: chr15-31295095-G-A.
Other names: c.3859C>T, p.Arg1287Trp (NM_001252020.2); c.3742C>T, p.Arg1248Trp (NM_002420.6); c.3859C>T (NM_001252020.1); short protein forms R1270W, R1287W, R1248W.
Identifiers: ClinVar variation 2065251 (VCV002065251.5), dbSNP rs768382174, ClinGen allele CA7451756.
Genomic context (GRCh38, chr15:31,002,892, plus strand): 5'-CAGCGCTATTGATGCTGCTTTGCCGGAGAAGATACGTTGCCTCACATTCAGAAGAAGCCC[G>A]GGACCGTGCCTGGATCAGGTCAGACCTGTCGATTCCCGCAAGATTTTCAAGAGCATTCAC-3'
Protein context (NP_001238953.1, residues 1260-1280): DRSDLIQARS[Arg1270Trp]ASSECEATYL

ClinVar aggregate classification (germline): Conflicting classifications of pathogenicity. Review status: criteria provided, conflicting classifications (1 of 4 stars). 3 submissions from 3 submitters: Uncertain significance (2); Likely benign (1). Last evaluated 2026-06-17.

Conditions:
TRPM1-related disorder. Also called: TRPM1-related condition.

Allele frequency attached by ClinVar (database versions not stated): gnomAD 0.00005; TOPMed 0.00005.
gnomAD v4.1: 91 of 1,613,990 alleles (0.0056%); highest among the groups gnomAD compares: South Asian, 0.058%; no homozygotes.

Submissions (3):

PreventionGenetics, part of Exact Sciences
Classification: Uncertain significance for TRPM1-related condition. Last evaluated: 2026-06-17. Review status: criteria provided, single submitter. Criteria: ACMG Guidelines, 2015. Collection method: clinical testing. Allele origin: germline.
Comment: The TRPM1 c.3859C>T variant is predicted to result in the amino acid substitution p.Arg1287Trp. To our knowledge, this variant has not been reported in the literature. This variant is reported in 0.059% of alleles in individuals of South Asian descent in gnomAD, which is likely too frequent to be a primary cause of disease. Although we suspect that this variant may be benign, at this time, the clinical significance of this variant is uncertain due to the absence of conclusive functional and genetic evidence.

Labcorp Genetics (formerly Invitae), Labcorp
Classification: Likely benign. Last evaluated: 2025-06-03. Review status: criteria provided, single submitter. Criteria: Invitae Variant Classification Sherloc (09022015). Collection method: clinical testing. Allele origin: germline.

Blueprint Genetics
Classification: Uncertain significance. Last evaluated: 2024-05-08. Review status: criteria provided, single submitter. Criteria: ACMG Guidelines, 2015. Collection method: clinical testing. Allele origin: germline.